The following is an entry in ClinVar:

ClinVar aggregate classification (germline): Uncertain significance (1 of 4 stars; one submission).

Conditions:
Familial hypobetalipoproteinemia 1. Also called: Hypobetalipoproteinemia, normotriglyceridemic; Acanthocytosis with hypobetalipoproteinemia; APOB-Related Familial Hypobetalipoproteinemia. Identifiers: MedGen C4551990, MONDO:0014252, OMIM 615558.
Hypercholesterolemia, autosomal dominant, type B (FHCL2). Also called: Familial Hypercholesterolemia Type B; HYPERCHOLESTEROLEMIA, FAMILIAL, DUE TO LIGAND-DEFECTIVE APOLIPOPROTEIN B; Familial hypercholesterolemia 2; APOB-Related Familial Hypercholesterolemia, Autosomal Dominant; APOLIPOPROTEIN B-100, FAMILIAL DEFECTIVE; APOLIPOPROTEIN B-100, FAMILIAL LIGAND-DEFECTIVE. Identifiers: MedGen C1704417, MONDO:0007751, OMIM 144010.

Submission:

Labcorp Genetics (formerly Invitae), Labcorp
Classification: Uncertain significance for Familial hypobetalipoproteinemia 1; Hypercholesterolemia, autosomal dominant, type B. Last evaluated: 2024-01-19. Review status: criteria provided, single submitter. Criteria: Invitae Variant Classification Sherloc (09022015). Collection method: clinical testing. Allele origin: germline.
Comment: This sequence change replaces alanine, which is neutral and non-polar, with serine, which is neutral and polar, at codon 2599 of the APOB protein (p.Ala2599Ser). This variant is not present in population databases (gnomAD no frequency). This variant has not been reported in the literature in individuals affected with APOB-related conditions. ClinVar contains an entry for this variant (Variation ID: 937518). Advanced modeling of protein sequence and biophysical properties (such as structural, functional, and spatial information, amino acid conservation, physicochemical variation, residue mobility, and thermodynamic stability) performed at Invitae indicates that this missense variant is not expected to disrupt APOB protein function with a negative predictive value of 95%. In summary, the available evidence is currently insufficient to determine the role of this variant in disease. Therefore, it has been classified as a Variant of Uncertain Significance.

NM_000384.3(APOB):c.7795G>T (p.Ala2599Ser)

Gene: APOB (apolipoprotein B; minus strand). Cytogenetic location: 2p24.1.
Variant type: single nucleotide variant.
Coding change: c.7795G>T on transcript NM_000384.3 (MANE Select); coding-DNA position 7795, G replaced by T.
Protein change: p.Ala2599Ser; replaces alanine 2599 with serine.
Molecular consequence: missense variant.
Genome position (GRCh38, 1-based): chr2:21,009,073, C>A on the plus strand (G>T on the coding strand, the complement: APOB is on the minus strand). VCF-style: chr2-21009073-C-A. GRCh37 (hg19) VCF-style: chr2-21231945-C-A.
Other names: short protein forms A2599S.
Identifiers: ClinVar variation 937518 (VCV000937518.12), dbSNP rs1663232578, ClinGen allele CA345996101.